The following is an entry in ClinVar:

NM_013450.4(BAZ2B):c.5838T>G (p.Leu1946=)

Gene: BAZ2B (bromodomain adjacent to zinc finger domain 2B; minus strand). Cytogenetic location: 2q24.2.
Variant type: single nucleotide variant.
Coding change: c.5838T>G on transcript NM_013450.4 (MANE Select); coding-DNA position 5838, T replaced by G.
Protein change: p.Leu1946=; no amino-acid change (leucine 1946 retained).
Molecular consequence: synonymous variant.
Genome position (GRCh38, 1-based): chr2:159,332,645, A>C on the plus strand (T>G on the coding strand, the complement: BAZ2B is on the minus strand). VCF-style: chr2-159332645-A-C. GRCh37 (hg19) VCF-style: chr2-160189156-A-C.
Other names: c.5730T>G, p.Leu1910= (NM_001289975.1); c.5781T>G, p.Leu1927= (NM_001329857.2); c.5763T>G, p.Leu1921= (NM_001329858.2).
Identifiers: ClinVar variation 3051674 (VCV003051674.2), dbSNP rs192910254, ClinGen allele CA1923769.

ClinVar aggregate classification (germline): Likely benign (0 of 4 stars; one submission).

Conditions:
BAZ2B-related disorder. Also called: BAZ2B-related condition.

Allele frequency attached by ClinVar (database versions not stated): gnomAD exomes 0.00005; ExAC 0.00022; 1000 Genomes Project 0.00060; 1000 Genomes Project 30x 0.00062; TOPMed 0.00066; gnomAD 0.00068; ESP Exome Variant Server 0.00084.
gnomAD v4.1: 184 of 1,614,050 alleles (0.011%); highest among the groups gnomAD compares: African/African-American, 0.22%; no homozygotes.

Submission:

PreventionGenetics, part of Exact Sciences
Classification: Likely benign for BAZ2B-related condition. Last evaluated: 2021-03-29. Review status: no assertion criteria provided. Collection method: clinical testing. Allele origin: germline.
Comment: This variant is classified as likely benign based on ACMG/AMP sequence variant interpretation guidelines (Richards et al. 2015 PMID: 25741868, with internal and published modifications).